The following is an entry in ClinVar:

ClinVar aggregate classification (germline): Uncertain significance (1 of 4 stars; one submission).

Submission:

CeGaT Center for Human Genetics Tuebingen
Classification: Uncertain significance. Last evaluated: 2024-07-01. Review status: criteria provided, single submitter. Criteria: CeGaT Center For Human Genetics Tuebingen Variant Classification Criteria Version 2. Collection method: clinical testing. Allele origin: germline. Affected: yes. Observed: 1 variant allele.
Comment: KMT2A: PM2, PS2:Moderate, PP3

NM_001197104.2(KMT2A):c.11171G>A (p.Gly3724Glu)

Genes: KMT2A (lysine methyltransferase 2A; plus strand), TTC36-AS1 (TTC36 and KMT2A antisense RNA 1; minus strand). Cytogenetic location: 11q23.3.
Variant type: single nucleotide variant.
Coding change: c.11171G>A on transcript NM_001197104.2 (MANE Select); coding-DNA position 11171, G replaced by A.
Protein change: p.Gly3724Glu; replaces glycine 3724 with glutamic acid.
Molecular consequence: missense variant. On other transcripts: non-coding transcript variant (4).
Genome position (GRCh38, 1-based): chr11:118,519,642, G>A. VCF-style: chr11-118519642-G-A. GRCh37 (hg19) VCF-style: chr11-118390357-G-A.
Other names: c.11261G>A, p.Gly3754Glu (NM_001412597.1); c.11162G>A, p.Gly3721Glu (NM_005933.4); short protein forms G3721E, G3724E, G3754E.
Identifiers: ClinVar variation 3257386 (VCV003257386.17).